The following is an entry in ClinVar:

NM_014141.6(CNTNAP2):c.1123C>G (p.Pro375Ala)

Gene: CNTNAP2 (contactin associated protein 2; plus strand). Cytogenetic location: 7q35.
Variant type: single nucleotide variant.
Coding change: c.1123C>G on transcript NM_014141.6 (MANE Select); coding-DNA position 1123, C replaced by G.
Protein change: p.Pro375Ala; replaces proline 375 with alanine.
Molecular consequence: missense variant.
Genome position (GRCh38, 1-based): chr7:147,132,284, C>G. VCF-style: chr7-147132284-C-G. GRCh37 (hg19) VCF-style: chr7-146829376-C-G.
Other names: short protein forms P375A.
Identifiers: ClinVar variation 2002656 (VCV002002656.2), dbSNP rs757993314, ClinGen allele CA369924532.

ClinVar aggregate classification (germline): Uncertain significance (1 of 4 stars; one submission).

Conditions:
Cortical dysplasia-focal epilepsy syndrome (PTHSL1). Also called: Pitt-Hopkins-like syndrome 1. Identifiers: Orphanet 163681, Orphanet 221150, MedGen C2750246, MONDO:0012400, OMIM 610042.

Submission:

Labcorp Genetics (formerly Invitae), Labcorp
Classification: Uncertain significance for Cortical dysplasia-focal epilepsy syndrome. Last evaluated: 2022-08-03. Review status: criteria provided, single submitter. Criteria: Invitae Variant Classification Sherloc (09022015). Collection method: clinical testing. Allele origin: germline.
Comment: This sequence change replaces proline, which is neutral and non-polar, with alanine, which is neutral and non-polar, at codon 375 of the CNTNAP2 protein (p.Pro375Ala). This variant is not present in population databases (gnomAD no frequency). This variant has not been reported in the literature in individuals affected with CNTNAP2-related conditions. Algorithms developed to predict the effect of missense changes on protein structure and function (SIFT, PolyPhen-2, Align-GVGD) all suggest that this variant is likely to be tolerated. In summary, the available evidence is currently insufficient to determine the role of this variant in disease. Therefore, it has been classified as a Variant of Uncertain Significance.